The following is an entry in ClinVar:

ClinVar aggregate classification (germline): Uncertain significance (1 of 4 stars; one submission).

Conditions:
Neuronal ceroid lipofuscinosis 11. Also called: GRN-Related Neuronal Ceroid-Lipofuscinosis. Identifiers: Orphanet 314629, Orphanet 79262, MedGen C3539123, MONDO:0013866, OMIM 614706.
GRN-related frontotemporal lobar degeneration with Tdp43 inclusions (FTD2). Also called: DEMENTIA, HEREDITARY DYSPHASIC DISINHIBITION; FRONTOTEMPORAL LOBAR DEGENERATION WITH UBIQUITIN-POSITIVE INCLUSIONS; FTLD-TDP, GRN-RELATED; GRN Frontotemporal Dementia; FRONTOTEMPORAL DEMENTIA WITH TDP43 INCLUSIONS, GRN-RELATED. Identifiers: Orphanet 100070, Orphanet 282, MedGen C1843792, MONDO:0011842, OMIM 607485. Disease mechanism: loss of function.

Allele frequency attached by ClinVar (database versions not stated): gnomAD exomes below 0.00001.
gnomAD v4.1: 2 of 1,560,172 alleles (0.00013%); highest among the groups gnomAD compares: Admixed American, 0.0033%; no homozygotes.

Submission:

Labcorp Genetics (formerly Invitae), Labcorp
Classification: Uncertain significance for Neuronal ceroid lipofuscinosis 11; GRN-related frontotemporal lobar degeneration with Tdp43 inclusions. Last evaluated: 2022-02-08. Review status: criteria provided, single submitter. Criteria: Invitae Variant Classification Sherloc (09022015). Collection method: clinical testing. Allele origin: germline.
Comment: This variant has not been reported in the literature in individuals affected with GRN-related conditions. Algorithms developed to predict the effect of sequence changes on RNA splicing suggest that this variant may create or strengthen a splice site. In summary, the available evidence is currently insufficient to determine the role of this variant in disease. Therefore, it has been classified as a Variant of Uncertain Significance. This variant is not present in population databases (gnomAD no frequency). This sequence change falls in intron 4 of the GRN gene. It does not directly change the encoded amino acid sequence of the GRN protein.

NM_002087.4(GRN):c.349+15T>A

Gene: GRN (granulin precursor; plus strand). Cytogenetic location: 17q21.31.
Variant type: single nucleotide variant.
Coding change: c.349+15T>A on transcript NM_002087.4 (MANE Select); 15 bases into the intron after coding-DNA position 349, T replaced by A.
Molecular consequence: intron variant.
Genome position (GRCh38, 1-based): chr17:44,349,766, T>A. VCF-style: chr17-44349766-T-A. GRCh37 (hg19) VCF-style: chr17-42427134-T-A.
Identifiers: ClinVar variation 2052328 (VCV002052328.4), dbSNP rs2510054807, ClinGen allele CA2547790216.
Genomic context (GRCh38, chr17:44,349,766, plus strand): 5'-GGCTTCCACTGCAGTGCAGACGGGCGATCCTGCTTCCAAAGATCAGGTGCAGCTGGGGTG[T>A]GGGTGCAGGGCAGGCAGACGGGCAGCATGTGGAGTCTGGAACCCAGGAGCCCAGCTGGCG-3'